The following is an entry in ClinVar:

ClinVar aggregate classification (germline): Likely benign. Review status: criteria provided, multiple submitters, no conflicts (2 of 4 stars). 3 submissions from 2 submitters: Likely benign (3). Last evaluated 2018-08-17.

Conditions:
Adult polyglucosan body disease (APBN). Also called: POLYGLUCOSAN BODY DISEASE, ADULT FORM; GBE1-Adult Polyglucosan Body Disease. Identifiers: Orphanet 206583, MedGen C1849722, MONDO:0009897, OMIM 263570.
Glycogen storage disease, type IV (GSD4). Also called: CIRRHOSIS, FAMILIAL, WITH DEPOSITION OF ABNORMAL GLYCOGEN; GBE1 DEFICIENCY; GLYCOGEN BRANCHING ENZYME DEFICIENCY; GLYCOGENOSIS IV; GSD IV; AMYLOPECTINOSIS. Identifiers: Orphanet 367, MedGen C0017923, MONDO:0009292, OMIM 232500.

Allele frequency attached by ClinVar (database versions not stated): 1000 Genomes Project 0.00419; 1000 Genomes Project 30x 0.00437; gnomAD 0.00739 and 0.00757; TOPMed 0.00772; gnomAD exomes 0.00911.
gnomAD v4.1: 2,362 of 287,732 alleles (0.82%); highest among the groups gnomAD compares: Non-Finnish European, 1.2%; 14 homozygotes.

Submissions (3):

GeneDx
Classification: Likely benign. Last evaluated: 2018-08-17. Review status: criteria provided, single submitter. Criteria: GeneDx Variant Classification Process June 2021. Collection method: clinical testing. Allele origin: germline. Affected: yes.

Illumina Laboratory Services, Illumina
Classification: Likely benign for Adult polyglucosan body disease. Last evaluated: 2018-01-12. Review status: criteria provided, single submitter. Criteria: ICSL Variant Classification Criteria 13 December 2019. Collection method: clinical testing. Allele origin: germline.
Comment: This variant was observed in the ICSL laboratory as part of a predisposition screen in an ostensibly healthy population. It had not been previously curated by ICSL or reported in the Human Gene Mutation Database (HGMD: prior to June 1st, 2018), and was therefore a candidate for classification through an automated scoring system. Utilizing variant allele frequency, disease prevalence and penetrance estimates, and inheritance mode, an automated score was calculated to assess if this variant is too frequent to cause the disease. Based on the score and internal cut-off values, a variant classified as likely benign is not then subjected to further curation. The score for this variant resulted in a classification of likely benign for this disease.

Illumina Laboratory Services, Illumina
Classification: Likely benign for Glycogen storage disease, type IV. Last evaluated: 2018-01-12. Review status: criteria provided, single submitter. Criteria: ICSL Variant Classification Criteria 13 December 2019. Collection method: clinical testing. Allele origin: germline.
Comment: the same text as in the submission from Illumina Laboratory Services, Illumina above.

NM_000158.4(GBE1):c.*308C>T

Gene: GBE1 (1,4-alpha-glucan branching enzyme 1; minus strand). Cytogenetic location: 3p12.2.
Variant type: single nucleotide variant.
Coding change: c.*308C>T on transcript NM_000158.4 (MANE Select); 308 bases downstream of the stop codon, C replaced by T.
Molecular consequence: 3 prime UTR variant.
Genome position (GRCh38, 1-based): chr3:81,490,099, G>A on the plus strand (C>T on the coding strand, the complement: GBE1 is on the minus strand). VCF-style: chr3-81490099-G-A. GRCh37 (hg19) VCF-style: chr3-81539250-G-A.
Identifiers: ClinVar variation 346780 (VCV000346780.7), dbSNP rs141214861, ClinGen allele CA10619670.
Genomic context (GRCh38, chr3:81,490,099, plus strand): 5'-ACTGTGTACATTTAACAGAAATAATCATACATGACAAATGATTCAAATTTGAATTTAAAA[G>A]GATCAAATAATTAGCCAGGAAAGCAAAATGTTTTTAACATATTATATATAACACTTCCAT-3'